The following is an entry in ClinVar:

ClinVar aggregate classification (germline): Uncertain significance. Review status: criteria provided, multiple submitters, no conflicts (2 of 4 stars). 3 submissions from 3 submitters: Uncertain significance (3). Last evaluated 2024-06-07.

Conditions:
Hennekam lymphangiectasia-lymphedema syndrome 2 (HKLLS2). Identifiers: Orphanet 2136, MedGen C4014939, MONDO:0014454, OMIM 616006.
Van Maldergem syndrome 2 (VMLDS2). Identifiers: Orphanet 314679, MedGen C3809875, MONDO:0014242, OMIM 615546.
Inborn genetic diseases. Identifiers: MedGen C0950123, MeSH D030342.

gnomAD v4.1: 9 of 1,614,064 alleles (0.00056%); highest among the groups gnomAD compares: Admixed American, 0.015%; no homozygotes.

Submissions (3):

Ambry Genetics
Classification: Uncertain significance for Inborn genetic diseases. Last evaluated: 2024-06-07. Review status: criteria provided, single submitter. Criteria: Ambry Variant Classification Scheme 2023. Collection method: clinical testing. Allele origin: germline.

Fulgent Genetics
Classification: Uncertain significance for Van Maldergem syndrome 2; Hennekam lymphangiectasia-lymphedema syndrome 2. Last evaluated: 2024-04-29. Review status: criteria provided, single submitter. Criteria: ACMG Guidelines, 2015. Collection method: clinical testing. Allele origin: germline.

Labcorp Genetics (formerly Invitae), Labcorp
Classification: Uncertain significance. Last evaluated: 2022-01-03. Review status: criteria provided, single submitter. Criteria: Invitae Variant Classification Sherloc (09022015). Collection method: clinical testing. Allele origin: germline.
Comment: This sequence change replaces alanine, which is neutral and non-polar, with serine, which is neutral and polar, at codon 425 of the FAT4 protein (p.Ala425Ser). This variant is present in population databases (rs138548779, gnomAD 0.02%). This variant has not been reported in the literature in individuals affected with FAT4-related conditions. Advanced modeling of protein sequence and biophysical properties (such as structural, functional, and spatial information, amino acid conservation, physicochemical variation, residue mobility, and thermodynamic stability) performed at Invitae indicates that this missense variant is not expected to disrupt FAT4 protein function. In summary, the available evidence is currently insufficient to determine the role of this variant in disease. Therefore, it has been classified as a Variant of Uncertain Significance.

NM_001291303.3(FAT4):c.1273G>T (p.Ala425Ser)

Gene: FAT4 (FAT atypical cadherin 4; plus strand). Cytogenetic location: 4q28.1.
Variant type: single nucleotide variant.
Coding change: c.1273G>T on transcript NM_001291303.3 (MANE Select); coding-DNA position 1273, G replaced by T.
Protein change: p.Ala425Ser; replaces alanine 425 with serine.
Molecular consequence: missense variant.
Genome position (GRCh38, 1-based): chr4:125,317,684, G>T. VCF-style: chr4-125317684-G-T. GRCh37 (hg19) VCF-style: chr4-126238839-G-T.
Other names: c.1273G>T, p.Ala425Ser (NM_001291285.3, NM_024582.6); c.1273G>T (NM_024582.4, NM_024582.5); short protein forms A425S.
Identifiers: ClinVar variation 1462294 (VCV001462294.5), dbSNP rs138548779, ClinGen allele CA3071953.